The following is an entry in ClinVar:

ClinVar aggregate classification (germline): Conflicting classifications of pathogenicity. Review status: criteria provided, conflicting classifications (1 of 4 stars). 3 submissions from 3 submitters: Uncertain significance (1); Likely benign (2). Last evaluated 2026-01-19.

Conditions:
Hereditary spastic paraplegia 48. Also called: SPASTIC PARAPLEGIA 48, AUTOSOMAL RECESSIVE; Spastic paraplegia 48. Identifiers: Orphanet 306511, MedGen C3150901, MONDO:0013342, OMIM 613647.

Allele frequency attached by ClinVar (database versions not stated): gnomAD 0.00004; TOPMed 0.00004; gnomAD exomes 0.00007 and 0.00009; ExAC 0.00011.
gnomAD v4.1: 131 of 1,584,582 alleles (0.0083%); highest among the groups gnomAD compares: Middle Eastern, 0.22%; 1 homozygote.

Submissions (3):

Labcorp Genetics (formerly Invitae), Labcorp
Classification: Likely benign for Hereditary spastic paraplegia 48. Last evaluated: 2026-01-19. Review status: criteria provided, single submitter. Criteria: Invitae Variant Classification Sherloc (09022015). Collection method: clinical testing. Allele origin: germline.

CeGaT Center for Human Genetics Tuebingen
Classification: Likely benign. Last evaluated: 2023-08-01. Review status: criteria provided, single submitter. Criteria: CeGaT Center For Human Genetics Tuebingen Variant Classification Criteria Version 2. Collection method: clinical testing. Allele origin: germline. Affected: yes. Observed: 1 variant allele.
Comment: AP5Z1: BP4, BP7

Illumina Laboratory Services, Illumina
Classification: Uncertain significance for Hereditary spastic paraplegia 48. Last evaluated: 2018-01-13. Review status: criteria provided, single submitter. Criteria: ICSL Variant Classification Criteria 13 December 2019. Collection method: clinical testing. Allele origin: germline.

NM_014855.3(AP5Z1):c.660A>G (p.Thr220=)

Gene: AP5Z1 (adaptor related protein complex 5 subunit zeta 1; plus strand). Cytogenetic location: 7p22.1.
Variant type: single nucleotide variant.
Coding change: c.660A>G on transcript NM_014855.3 (MANE Select); coding-DNA position 660, A replaced by G.
Protein change: p.Thr220=; no amino-acid change (threonine 220 retained).
Molecular consequence: synonymous variant. On other transcripts: non-coding transcript variant (1).
Genome position (GRCh38, 1-based): chr7:4,784,241, A>G. VCF-style: chr7-4784241-A-G. GRCh37 (hg19) VCF-style: chr7-4823872-A-G.
Other names: c.192A>G, p.Thr64= (NM_001364858.1).
Identifiers: ClinVar variation 910693 (VCV000910693.32), dbSNP rs756140557, ClinGen allele CA4137310.